The following is an entry in ClinVar:

ClinVar aggregate classification (germline): Uncertain significance. Review status: criteria provided, multiple submitters, no conflicts (2 of 4 stars). 2 submissions from 2 submitters: Uncertain significance (2). Last evaluated 2024-08-12.

Conditions:
Myelodysplastic syndrome (MDS). Also called: MYELODYSPLASTIC SYNDROME, SUSCEPTIBILITY TO; Myelodysplastic syndrome, somatic; Myelodysplastic syndromes. Identifiers: Orphanet 52688, MedGen C3463824, MeSH D009190, MONDO:0018881, OMIM 614286.
Bohring-Opitz syndrome. Also called: C-LIKE SYNDROME; BOHRING SYNDROME; OPITZ TRIGONOCEPHALY-LIKE SYNDROME; ASXL1-Related Bohring-Opitz Syndrome. Identifiers: Orphanet 97297, MedGen C0796232, MONDO:0011510, OMIM 605039.

Allele frequency attached by ClinVar (database versions not stated): TOPMed below 0.00001; 1000 Genomes Project 0.00040; 1000 Genomes Project 30x 0.00031; gnomAD 0.00003.
gnomAD v4.1: 35 of 1,614,060 alleles (0.0022%); highest among the groups gnomAD compares: East Asian, 0.027%; no homozygotes.

Submissions (2):

Labcorp Genetics (formerly Invitae), Labcorp
Classification: Uncertain significance. Last evaluated: 2024-08-12. Review status: criteria provided, single submitter. Criteria: Invitae Variant Classification Sherloc (09022015). Collection method: clinical testing. Allele origin: germline.
Comment: This sequence change replaces valine, which is neutral and non-polar, with methionine, which is neutral and non-polar, at codon 184 of the ASXL1 protein (p.Val184Met). This variant is present in population databases (rs140731196, gnomAD 0.01%). This variant has not been reported in the literature in individuals affected with ASXL1-related conditions. ClinVar contains an entry for this variant (Variation ID: 1940986). An algorithm developed to predict the effect of missense changes on protein structure and function outputs the following: PolyPhen-2: "Benign". The methionine amino acid residue is found in multiple mammalian species, which suggests that this missense change does not adversely affect protein function. In summary, the available evidence is currently insufficient to determine the role of this variant in disease. Therefore, it has been classified as a Variant of Uncertain Significance.

Fulgent Genetics
Classification: Uncertain significance for Bohring-Opitz syndrome; Myelodysplastic syndrome. Last evaluated: 2024-05-13. Review status: criteria provided, single submitter. Criteria: ACMG Guidelines, 2015. Collection method: clinical testing. Allele origin: germline.

NM_015338.6(ASXL1):c.550G>A (p.Val184Met)

Gene: ASXL1 (ASXL transcriptional regulator 1; plus strand). Cytogenetic location: 20q11.21.
Variant type: single nucleotide variant.
Coding change: c.550G>A on transcript NM_015338.6 (MANE Select); coding-DNA position 550, G replaced by A.
Protein change: p.Val184Met; replaces valine 184 with methionine.
Molecular consequence: missense variant.
Genome position (GRCh38, 1-based): chr20:32,429,416, G>A. VCF-style: chr20-32429416-G-A. GRCh37 (hg19) VCF-style: chr20-31017219-G-A.
Other names: c.520G>A, p.Val174Met (NM_001363734.1); short protein forms V184M, V174M.
Identifiers: ClinVar variation 1940986 (VCV001940986.6), dbSNP rs140731196, ClinGen allele CA9808119.